The following is an entry in ClinVar:

NM_003334.4(UBA1):c.2219C>T (p.Pro740Leu)

Gene: UBA1 (ubiquitin like modifier activating enzyme 1; plus strand). Cytogenetic location: Xp11.3.
Variant type: single nucleotide variant.
Coding change: c.2219C>T on transcript NM_003334.4 (MANE Select); coding-DNA position 2219, C replaced by T.
Protein change: p.Pro740Leu; replaces proline 740 with leucine.
Molecular consequence: missense variant.
Genome position (GRCh38, 1-based): chrX:47,210,861, C>T. VCF-style: chrX-47210861-C-T. GRCh37 (hg19) VCF-style: chrX-47070260-C-T.
Other names: c.2219C>T, p.Pro740Leu (NM_153280.3); short protein forms P740L.
Identifiers: ClinVar variation 1951467 (VCV001951467.5), dbSNP rs1936886935, ClinGen allele CA412807677.

ClinVar aggregate classification (germline): Uncertain significance (1 of 4 stars; one submission).

Conditions:
Infantile-onset X-linked spinal muscular atrophy. Also called: AMC, DISTAL, X-LINKED; ARTHROGRYPOSIS, X-LINKED, TYPE I; Spinal muscular atrophy, X-linked 2; SPINAL MUSCULAR ATROPHY, X-LINKED LETHAL INFANTILE; Spinal Muscular Atrophy, X-Linked Infantile. Identifiers: Orphanet 1145, MedGen C1844934, MONDO:0010532, OMIM 301830.

Allele frequency attached by ClinVar (database versions not stated): gnomAD exomes below 0.00001; TOPMed 0.00001.
gnomAD v4.1: 3 of 1,211,434 alleles (0.00025%); highest among the groups gnomAD compares: Non-Finnish European, 0.00034%; no homozygotes.

Submission:

Labcorp Genetics (formerly Invitae), Labcorp
Classification: Uncertain significance for Infantile-onset X-linked spinal muscular atrophy. Last evaluated: 2022-03-10. Review status: criteria provided, single submitter. Criteria: Invitae Variant Classification Sherloc (09022015). Collection method: clinical testing. Allele origin: germline.
Comment: In summary, the available evidence is currently insufficient to determine the role of this variant in disease. Therefore, it has been classified as a Variant of Uncertain Significance. Algorithms developed to predict the effect of missense changes on protein structure and function (SIFT, PolyPhen-2, Align-GVGD) all suggest that this variant is likely to be tolerated. This variant has not been reported in the literature in individuals affected with UBA1-related conditions. This variant is not present in population databases (gnomAD no frequency). This sequence change replaces proline, which is neutral and non-polar, with leucine, which is neutral and non-polar, at codon 740 of the UBA1 protein (p.Pro740Leu).